The following is an entry in ClinVar:

NM_000038.6(APC):c.5463G>A (p.Lys1821=)

Gene: APC (APC regulator of Wnt signaling pathway; plus strand). Cytogenetic location: 5q22.2.
Variant type: single nucleotide variant.
Coding change: c.5463G>A on transcript NM_000038.6 (MANE Select); coding-DNA position 5463, G replaced by A.
Protein change: p.Lys1821=; no amino-acid change (lysine 1821 retained).
Molecular consequence: synonymous variant.
Genome position (GRCh38, 1-based): chr5:112,841,057, G>A. VCF-style: chr5-112841057-G-A. GRCh37 (hg19) VCF-style: chr5-112176754-G-A.
Other names: c.5463G>A, p.Lys1821= (NM_001127510.3, NM_001354895.2); c.5409G>A, p.Lys1803= (NM_001127511.3); c.5517G>A, p.Lys1839= (NM_001354896.2); c.5493G>A, p.Lys1831= (NM_001354897.2); c.5388G>A, p.Lys1796= (NM_001354898.2); c.5379G>A, p.Lys1793= (NM_001354899.2); c.5340G>A, p.Lys1780= (NM_001354900.2); c.5286G>A, p.Lys1762= (NM_001354901.2); and 6 more.
Identifiers: ClinVar variation 1369881 (VCV001369881.10), dbSNP rs1319199935, ClinGen allele CA446208872.

ClinVar aggregate classification (germline): Benign/Likely benign. Review status: criteria provided, multiple submitters, no conflicts (2 of 4 stars). 3 submissions from 3 submitters: Benign (1); Likely benign (2). Last evaluated 2024-04-22.

Conditions:
Hereditary cancer-predisposing syndrome. Also called: Neoplastic Syndromes, Hereditary; Tumor predisposition; Hereditary neoplastic syndrome; Hereditary Cancer Syndrome. Identifiers: Orphanet 140162, MedGen C0027672, MeSH D009386, MONDO:0015356.
Familial adenomatous polyposis 1 (FAP1). Also called: FAMILIAL ADENOMATOUS POLYPOSIS 1, ATTENUATED; POLYPOSIS, ADENOMATOUS INTESTINAL. Identifiers: MedGen C2713442, MONDO:0021056, OMIM 175100. Disease mechanism: loss of function.

Allele frequency attached by ClinVar (database versions not stated): gnomAD exomes below 0.00001; TOPMed below 0.00001; gnomAD 0.00001.
gnomAD v4.1: 3 of 1,612,078 alleles (0.00019%); highest among the groups gnomAD compares: African/African-American, 0.0013%; no homozygotes.

Submissions (3):

Labcorp Genetics (formerly Invitae), Labcorp
Classification: Likely benign for Familial adenomatous polyposis 1. Last evaluated: 2024-04-22. Review status: criteria provided, single submitter. Criteria: Invitae Variant Classification Sherloc (09022015). Collection method: clinical testing. Allele origin: germline.

Myriad Genetics, Inc.
Classification: Benign for Familial adenomatous polyposis 1. Last evaluated: 2024-04-02. Review status: criteria provided, single submitter. Criteria: Myriad Autosomal Dominant, Autosomal Recessive and X-Linked Classification Criteria (2023). Collection method: clinical testing. Allele origin: unknown.
Comment: This variant is considered benign. This variant is a silent/synonymous amino acid change and it is not expected to impact splicing.

Ambry Genetics
Classification: Likely benign for Hereditary cancer-predisposing syndrome. Last evaluated: 2024-03-24. Review status: criteria provided, single submitter. Criteria: Ambry Variant Classification Scheme 2023. Collection method: clinical testing. Allele origin: germline.